The following is an entry in ClinVar:

NM_001379270.1(CNGA1):c.848G>T (p.Arg283Ile)

Genes: CNGA1 (cyclic nucleotide gated channel subunit alpha 1; minus strand), LOC101927157 (uncharacterized LOC101927157; plus strand). Cytogenetic location: 4p12.
Variant type: single nucleotide variant.
Coding change: c.848G>T on transcript NM_001379270.1 (MANE Select); coding-DNA position 848, G replaced by T.
Protein change: p.Arg283Ile; replaces arginine 283 with isoleucine.
Molecular consequence: missense variant.
Genome position (GRCh38, 1-based): chr4:47,937,634, C>A on the plus strand (G>T on the coding strand, the complement: CNGA1 is on the minus strand). VCF-style: chr4-47937634-C-A. GRCh37 (hg19) VCF-style: chr4-47939651-C-A.
Other names: c.860G>T (NM_000087.3); c.848G>T, p.Arg283Ile (NM_000087.5, NM_001142564.2); short protein forms R283I.
Identifiers: ClinVar variation 1134405 (VCV001134405.11), dbSNP rs577505007, ClinGen allele CA2911177.
Genomic context (GRCh38, chr4:47,937,634, plus strand): 5'-ATATACATAACAAGGTTGGAAATCCTGAAGATGTTTGGATAGTTTGTCCTTGTTTCTGTT[C>A]TCTGGAAGAACTCAAACATACGAGAGAACCGTAACAACCTGTTTAATCTAATTTCTGGAT-3'
Protein context (NP_001366199.1, residues 273-293): RFSRMFEFFQ[Arg283Ile]TETRTNYPNI

ClinVar aggregate classification (germline): Likely benign. Review status: criteria provided, multiple submitters, no conflicts (2 of 4 stars). 3 submissions from 3 submitters: Likely benign (3). Last evaluated 2026-07-08.

Conditions:
CNGA1-related disorder. Also called: CNGA1-related condition.

Allele frequency attached by ClinVar (database versions not stated): gnomAD 0.00005; 1000 Genomes Project 0.00040; 1000 Genomes Project 30x 0.00047.
gnomAD v4.1: 201 of 1,614,118 alleles (0.012%); highest among the groups gnomAD compares: South Asian, 0.22%; 1 homozygote.

Submissions (3):

PreventionGenetics, part of Exact Sciences
Classification: Likely benign for CNGA1-related condition. Last evaluated: 2026-07-08. Review status: criteria provided, single submitter. Criteria: ACMG Guidelines, 2015. Collection method: clinical testing. Allele origin: germline.
Comment: This variant is classified as likely benign based on ACMG/AMP sequence variant interpretation guidelines (Richards et al. 2015 PMID: 25741868, with internal and published modifications).

Labcorp Genetics (formerly Invitae), Labcorp
Classification: Likely benign. Last evaluated: 2026-01-26. Review status: criteria provided, single submitter. Criteria: Invitae Variant Classification Sherloc (09022015). Collection method: clinical testing. Allele origin: germline.

Blueprint Genetics
Classification: Likely benign. Last evaluated: 2024-06-28. Review status: criteria provided, single submitter. Criteria: ACMG Guidelines, 2015. Collection method: clinical testing. Allele origin: germline.